The following is an entry in ClinVar:

NM_004984.4(KIF5A):c.1307A>C (p.Asn436Thr)

Gene: KIF5A (kinesin family member 5A; plus strand). Cytogenetic location: 12q13.3.
Variant type: single nucleotide variant.
Coding change: c.1307A>C on transcript NM_004984.4 (MANE Select); coding-DNA position 1307, A replaced by C.
Protein change: p.Asn436Thr; replaces asparagine 436 with threonine.
Molecular consequence: missense variant.
Genome position (GRCh38, 1-based): chr12:57,571,334, A>C. VCF-style: chr12-57571334-A-C. GRCh37 (hg19) VCF-style: chr12-57965117-A-C.
Other names: c.1040A>C, p.Asn347Thr (NM_001354705.2); short protein forms N347T, N436T.
Identifiers: ClinVar variation 2839142 (VCV002839142.3), dbSNP rs776102034, ClinGen allele CA6652828.

ClinVar aggregate classification (germline): Uncertain significance (1 of 4 stars; one submission).

Conditions:
Spastic paraplegia. Identifiers: MedGen C0037772, HP:0001258.

Allele frequency attached by ClinVar (database versions not stated): gnomAD exomes below 0.00001; ExAC 0.00001.
gnomAD v4.1: 1 of 1,608,352 alleles (0.000062%); highest among the groups gnomAD compares: Non-Finnish European, 0.000085%; no homozygotes.

Submission:

Labcorp Genetics (formerly Invitae), Labcorp
Classification: Uncertain significance for Spastic paraplegia. Last evaluated: 2023-02-20. Review status: criteria provided, single submitter. Criteria: Invitae Variant Classification Sherloc (09022015). Collection method: clinical testing. Allele origin: germline.
Comment: This sequence change replaces asparagine, which is neutral and polar, with threonine, which is neutral and polar, at codon 436 of the KIF5A protein (p.Asn436Thr). In summary, the available evidence is currently insufficient to determine the role of this variant in disease. Therefore, it has been classified as a Variant of Uncertain Significance. Advanced modeling of protein sequence and biophysical properties (such as structural, functional, and spatial information, amino acid conservation, physicochemical variation, residue mobility, and thermodynamic stability) has been performed at Invitae for this missense variant, however the output from this modeling did not meet the statistical confidence thresholds required to predict the impact of this variant on KIF5A protein function. This variant has not been reported in the literature in individuals affected with KIF5A-related conditions. This variant is present in population databases (rs776102034, gnomAD 0.0009%).